The following is an entry in ClinVar:

NM_015425.6(POLR1A):c.841T>C (p.Ser281Pro)

Gene: POLR1A (RNA polymerase I subunit A; minus strand). Cytogenetic location: 2p11.2.
Variant type: single nucleotide variant.
Coding change: c.841T>C on transcript NM_015425.6 (MANE Select); coding-DNA position 841, T replaced by C.
Protein change: p.Ser281Pro; replaces serine 281 with proline.
Molecular consequence: missense variant.
Genome position (GRCh38, 1-based): chr2:86,081,683, A>G on the plus strand (T>C on the coding strand, the complement: POLR1A is on the minus strand). VCF-style: chr2-86081683-A-G. GRCh37 (hg19) VCF-style: chr2-86308806-A-G.
Other names: short protein forms S281P.
Identifiers: ClinVar variation 1977594 (VCV001977594.5), dbSNP rs752720950, ClinGen allele CA51362275.

ClinVar aggregate classification (germline): Uncertain significance (1 of 4 stars; one submission).

Allele frequency attached by ClinVar (database versions not stated): TOPMed below 0.00001.

Submission:

Labcorp Genetics (formerly Invitae), Labcorp
Classification: Uncertain significance. Last evaluated: 2025-04-02. Review status: criteria provided, single submitter. Criteria: Invitae Variant Classification Sherloc (09022015). Collection method: clinical testing. Allele origin: germline.
Comment: This sequence change replaces serine, which is neutral and polar, with proline, which is neutral and non-polar, at codon 281 of the POLR1A protein (p.Ser281Pro). This variant is not present in population databases (gnomAD no frequency). This variant has not been reported in the literature in individuals affected with POLR1A-related conditions. ClinVar contains an entry for this variant (Variation ID: 1977594). Invitae Evidence Modeling of protein sequence and biophysical properties (such as structural, functional, and spatial information, amino acid conservation, physicochemical variation, residue mobility, and thermodynamic stability) indicates that this missense variant is not expected to disrupt POLR1A protein function with a negative predictive value of 80%. In summary, the available evidence is currently insufficient to determine the role of this variant in disease. Therefore, it has been classified as a Variant of Uncertain Significance.